The following is an entry in ClinVar:

NM_016604.4(KDM3B):c.4774G>A (p.Glu1592Lys)

Gene: KDM3B (lysine demethylase 3B; plus strand). Cytogenetic location: 5q31.2.
Variant type: single nucleotide variant.
Coding change: c.4774G>A on transcript NM_016604.4 (MANE Select); coding-DNA position 4774, G replaced by A.
Protein change: p.Glu1592Lys; replaces glutamic acid 1592 with lysine.
Molecular consequence: missense variant.
Genome position (GRCh38, 1-based): chr5:138,429,846, G>A. VCF-style: chr5-138429846-G-A. GRCh37 (hg19) VCF-style: chr5-137765535-G-A.
Other names: short protein forms E1592K.
Identifiers: ClinVar variation 2998239 (VCV002998239.4), dbSNP rs749739158, ClinGen allele CA3429524.

ClinVar aggregate classification (germline): Uncertain significance. Review status: criteria provided, multiple submitters, no conflicts (2 of 4 stars). 2 submissions from 2 submitters: Uncertain significance (2). Last evaluated 2023-02-04.

Allele frequency attached by ClinVar (database versions not stated): TOPMed below 0.00001; ExAC 0.00001; gnomAD exomes 0.00001.
gnomAD v4.1: 14 of 1,614,056 alleles (0.00087%); highest among the groups gnomAD compares: Admixed American, 0.0017%; no homozygotes.

Submissions (2):

Labcorp Genetics (formerly Invitae), Labcorp
Classification: Uncertain significance. Last evaluated: 2023-02-04. Review status: criteria provided, single submitter. Criteria: Invitae Variant Classification Sherloc (09022015). Collection method: clinical testing. Allele origin: germline.
Comment: This sequence change replaces glutamic acid, which is acidic and polar, with lysine, which is basic and polar, at codon 1592 of the KDM3B protein (p.Glu1592Lys). This variant is present in population databases (rs749739158, gnomAD 0.01%). This variant has not been reported in the literature in individuals affected with KDM3B-related conditions. Advanced modeling of protein sequence and biophysical properties (such as structural, functional, and spatial information, amino acid conservation, physicochemical variation, residue mobility, and thermodynamic stability) performed at Invitae indicates that this missense variant is expected to disrupt KDM3B protein function. In summary, the available evidence is currently insufficient to determine the role of this variant in disease. Therefore, it has been classified as a Variant of Uncertain Significance.

Blueprint Genetics
Classification: Uncertain significance. Last evaluated: 2020-01-27. Review status: criteria provided, single submitter. Criteria: ACMG Guidelines, 2015. Collection method: clinical testing. Allele origin: germline.